The following is an entry in ClinVar:

NM_032273.4(TMEM126A):c.487A>G (p.Ile163Val)

Gene: TMEM126A (transmembrane protein 126A; plus strand). Cytogenetic location: 11q14.1.
Variant type: single nucleotide variant.
Coding change: c.487A>G on transcript NM_032273.4 (MANE Select); coding-DNA position 487, A replaced by G.
Protein change: p.Ile163Val; replaces isoleucine 163 with valine.
Molecular consequence: missense variant.
Genome position (GRCh38, 1-based): chr11:85,656,400, A>G. VCF-style: chr11-85656400-A-G. GRCh37 (hg19) VCF-style: chr11-85367444-A-G.
Other names: c.277A>G, p.Ile93Val (NM_001244735.2); short protein forms I163V, I93V.
Identifiers: ClinVar variation 306323 (VCV000306323.6), dbSNP rs886048713, ClinGen allele CA10635795.
Genomic context (GRCh38, chr11:85,656,400, plus strand): 5'-AACATCTTAAGTTACTGGATTAGAACTTCTAAGCCTGTCTTTAGAAAGATGTTATTTCCT[A>G]TTTTGCTCCAGACTATGTTTTCAGCATACCTTGGGTCTGAACAATATAAACTACTTATAA-3'
Protein context (NP_115649.1, residues 153-173): KPVFRKMLFP[Ile163Val]LLQTMFSAYL

ClinVar aggregate classification (germline): Uncertain significance. Review status: criteria provided, multiple submitters, no conflicts (2 of 4 stars). 2 submissions from 2 submitters: Uncertain significance (2). Last evaluated 2022-04-02.

Conditions:
Autosomal recessive optic atrophy, OPA7 type. Also called: OPTIC ATROPHY 7 WITH OR WITHOUT AUDITORY NEUROPATHY. Identifiers: Orphanet 227976, Orphanet 98676, MedGen C2751812, MONDO:0013069, OMIM 612989.

Allele frequency attached by ClinVar (database versions not stated): gnomAD exomes below 0.00001; gnomAD 0.00001; TOPMed 0.00002.
gnomAD v4.1: 7 of 1,613,186 alleles (0.00043%); highest among the groups gnomAD compares: Non-Finnish European, 0.00034%; no homozygotes.

Submissions (2):

Labcorp Genetics (formerly Invitae), Labcorp
Classification: Uncertain significance. Last evaluated: 2022-04-02. Review status: criteria provided, single submitter. Criteria: Invitae Variant Classification Sherloc (09022015). Collection method: clinical testing. Allele origin: germline.
Comment: This sequence change replaces isoleucine, which is neutral and non-polar, with valine, which is neutral and non-polar, at codon 163 of the TMEM126A protein (p.Ile163Val). This variant is not present in population databases (gnomAD no frequency). This variant has not been reported in the literature in individuals affected with TMEM126A-related conditions. ClinVar contains an entry for this variant (Variation ID: 306323). Algorithms developed to predict the effect of missense changes on protein structure and function output the following: SIFT: "Tolerated"; PolyPhen-2: "Benign"; Align-GVGD: "Class C0". The valine amino acid residue is found in multiple mammalian species, which suggests that this missense change does not adversely affect protein function. In summary, the available evidence is currently insufficient to determine the role of this variant in disease. Therefore, it has been classified as a Variant of Uncertain Significance.

Illumina Laboratory Services, Illumina
Classification: Uncertain significance for Autosomal recessive optic atrophy, OPA7 type. Last evaluated: 2018-01-13. Review status: criteria provided, single submitter. Criteria: ICSL Variant Classification Criteria 13 December 2019. Collection method: clinical testing. Allele origin: germline.